The following is an entry in ClinVar:

ClinVar aggregate classification (germline): Pathogenic/Likely pathogenic. Review status: criteria provided, multiple submitters, no conflicts (2 of 4 stars). 8 submissions from 8 submitters: Pathogenic (1); Likely pathogenic (5). 2 of the submissions do not count toward it. Last evaluated 2026-07-01.

Conditions:
Hereditary cancer-predisposing syndrome. Also called: Neoplastic Syndromes, Hereditary; Tumor predisposition; Hereditary Cancer Syndrome; Hereditary neoplastic syndrome. Identifiers: Orphanet 140162, MedGen C0027672, MeSH D009386, MONDO:0015356.
Hereditary breast ovarian cancer syndrome. Also called: Hereditary breast and/or ovarian cancer syndrome; Hereditary breast and ovarian cancer syndrome; Hereditary breast and ovarian cancer; Hereditary breast and ovarian cancer syndrome (HBOC); Breast and ovarian cancer; BRCA1- and BRCA2-Associated Hereditary Breast and Ovarian Cancer. Identifiers: Orphanet 145, MedGen C0677776, MeSH D061325, MONDO:0003582. Disease mechanism: loss of function.
Breast-ovarian cancer, familial, susceptibility to, 2 (BROVCA2). Also called: BRCA2 Hereditary Breast and Ovarian Cancer. Identifiers: Orphanet 145, MedGen C2675520, MONDO:0012933, OMIM 612555. Disease mechanism: loss of function.

gnomAD v4.1: 1 of 1,613,894 alleles (0.000062%); highest among the groups gnomAD compares: Non-Finnish European, 0.000085%; no homozygotes.

Submissions (8):

CeGaT Center for Human Genetics Tuebingen
Classification: Likely pathogenic. Last evaluated: 2026-07-01. Review status: criteria provided, single submitter. Criteria: CeGaT Center For Human Genetics Tuebingen Variant Classification Criteria Version 2. Collection method: clinical testing. Allele origin: germline. Affected: yes. Observed: 3 variant alleles.
Comment: BRCA2: PS3, PM2

Labcorp Genetics (formerly Invitae), Labcorp
Classification: Pathogenic for Hereditary breast ovarian cancer syndrome. Last evaluated: 2025-11-17. Review status: criteria provided, single submitter. Criteria: Invitae Variant Classification Sherloc (09022015). Collection method: clinical testing. Allele origin: germline.
Comment: This sequence change replaces glycine, which is neutral and non-polar, with aspartic acid, which is acidic and polar, at codon 2609 of the BRCA2 protein (p.Gly2609Asp). This variant is not present in population databases (gnomAD no frequency). This missense change has been observed in individual(s) with clinical features of BRCA2-related conditions (PMID: 10923033). ClinVar contains an entry for this variant (Variation ID: 52423). Based on a multifactorial likelihood algorithm using genetic, in silico, and/or statistical data, this variant has been determined to have a high probability of being pathogenic (PMID: 21990134). Experimental studies have shown that this missense change affects BRCA2 function (PMID: 21990134, 23108138, 29394989, 29884841, 29988080). This variant disrupts the p.Gly2609 amino acid residue in BRCA2. Other variant(s) that disrupt this residue have been determined to be pathogenic (PMID: 29394989, 29884841). This suggests that this residue is clinically significant, and that variants that disrupt this residue are likely to be disease-causing. For these reasons, this variant has been classified as Pathogenic.

Ambry Genetics
Classification: Likely pathogenic for Hereditary cancer-predisposing syndrome. Last evaluated: 2025-07-22. Review status: criteria provided, single submitter. Criteria: Ambry Variant Classification Scheme 2023. Collection method: clinical testing. Allele origin: germline.
Comment: The p.G2609D variant (also known as c.7826G>A), located in coding exon 16 of the BRCA2 gene, results from a G to A substitution at nucleotide position 7826. The glycine at codon 2609 is replaced by aspartic acid, an amino acid with similar properties. This alteration has demonstrated defective homology-directed repair in several functional studies (Guidugli L et al. Hum. Mutat. 2014 Feb;35:151-64; Guidugli L et al. Am. J. Hum. Genet. 2018 02;102(2):233-248, Caleca L. et al. Cancers (Basel). 2019 Jan;11(2), Mesman RLS. et al. Genet Med. 2019 02;21(2):293-302), but was later reported to have an intermediate impact on homology-directed repair (Hu C et al. Am J Hum Genet. 2024 Mar;111(3):584-593), and in addition, was also able to complement the cell lethal phenotype induced by loss of mouse Brca1, similar to WT and Class1/2 variants (Mesman RLS. et al. Genet Med. 2019 02;21(2):293-302), suggesting at least partial retention of some normal functional activity. This alteration was reported as pathogenic based on sensitivity to PARP inhibitors in a high-throughput in vitro assay performed in a a human colorectal adenoma cell line (Ikegami M. et al. Nat Commun. 2020 05;11(1):2573). Two saturation genome editing-based studies, including a haploid cell-survival assay and a humanized mouse embryonic stem cell line assay of drug response and survival, demonstrate that this nucleotide substitution is non-functional (Huang H et al. Nature. 2025 Feb;638(8050):528-537; Sahu S et al. Nature. 2025 Feb;638(8050):538-545). Based on internal structural analysis, this alteration is likely to disrupt DSS1 binding and is predicted to be as destabilizing to the local structure as other known pathogenic variants (Yang H et al. Science 2002 Sep;297:1837-48; Ambry internal data). This amino acid position is highly conserved in available vertebrate species. In addition, this alteration is predicted to be deleterious by in silico analysis. This variant is considered to be rare based on population cohorts in the Genome Aggregation Database (gnomAD). Based on the majority of available evidence to date, this variant is likely to be pathogenic.

Molecular Pathology, Peter Maccallum Cancer Centre
Classification: Likely pathogenic for Breast-ovarian cancer, familial, susceptibility to, 2. Last evaluated: 2024-04-29. Review status: criteria provided, single submitter. Criteria: ACMG Guidelines, 2015. Collection method: clinical testing. Allele origin: germline. Inheritance: Autosomal dominant inheritance.

Color Diagnostics, LLC DBA Color Health
Classification: Likely pathogenic for Hereditary cancer-predisposing syndrome. Last evaluated: 2020-06-08. Review status: criteria provided, single submitter. Criteria: ACMG Guidelines, 2015. Collection method: clinical testing. Allele origin: germline.
Comment: This missense variant replaces glycine with aspartic acid at codon 2609 the DNA binding domain of the BRCA2 protein. Computational prediction suggests that this variant may have deleterious impact on protein structure and function (internally defined REVEL score threshold >= 0.7, PMID: 27666373). Functional studies have shown that this variant impairs homology-mediated DNA repair activity of BRCA2 protein (PMID: 23108138, 29988080, 30696104) and was unable to complement BRCA2-deficiency in a cell viability-based assay (PMID: 32444794). A multifactorial analysis has determined this variant to be likely pathogenic based on clinical history of carrier individuals and functional studies (PMID: 23108138). This variant has not been identified in the general population by the Genome Aggregation Database (gnomAD). Based on the available evidence, this variant is classified as Likely Pathogenic.

Cancer Variant Interpretation Group UK, Institute of Cancer Research, London
Classification: Likely pathogenic for Hereditary Breast and Ovarian Cancer. Last evaluated: 2018-10-10. Review status: criteria provided, single submitter. Criteria: ACMG Guidelines, 2015. Collection method: curation. Allele origin: germline.
Comment: Data used in classification: The frequency of this variant is 0/138,632 individuals (gnomAD) (PM2_mod). This variant is predicted deleterious on AlignGVGD (class: C65), SIFT (Deleterious), Polyphen2 HumVar (probably damaging) and CADD (33) (PP3_sup). The variant is in the DNA-binding domain of BRCA2 (PM1_sup). In the BRCA2 Homology-Directed Repair Activity assay for the DNA Binding Domain (Guidugli et al Cancer Res 2013;73:265-275,Couch Lab) the variant has a probability of pathogenicity of 1.0 (PS3_strong). Data not used in classification: There are additional reports of this variant in ClinVar (2), UMD (1), BIC (1), and BRCA2 LOVD (2).

Breast Cancer Information Core (BIC) (BRCA2)
Classification: Uncertain significance for Breast-ovarian cancer, familial 2. Last evaluated: 2001-10-29. Review status: no assertion criteria provided. Collection method: clinical testing. Allele origin: germline. Affected: yes. Observed: 1 variant allele. Not counted in ClinVar's aggregate classification.

Department of Pathology and Laboratory Medicine, Sinai Health System
Classification: Uncertain significance. Review status: no assertion criteria provided. Collection method: clinical testing. Allele origin: unknown. Affected: yes. Observed: 1 variant allele. Study: The Canadian Open Genetics Repository (COGR). Not counted in ClinVar's aggregate classification.
Comment: The BRCA2 p.Gly2609Asp variant was identified in the literature however the frequency of this variant in an affected population was not provided. The variant was also identified in the following databases: dbSNP (ID: rs80359009) as "With Likely pathogenic, Uncertain significance allele", ClinVar (1x likely pathogenic, 1x uncertain significance), Clinvitae, LOVD 3.0 (2x, predicted deleterious), UMD-LSDB (1x, unknown/unclassified variant), and the BIC Database (1x, unknown clinical significance). The variant was not identified in Cosmic, MutDB, ARUP Laboratories, or the Zhejiang Colon Cancer Database. The variant was not identified in the control databases: the 1000 Genomes Project, the NHLBI GO Exome Sequencing Project, the Exome Aggregation Consortium (August 8th 2016), or the Genome Aggregation Database (Feb 27, 2017). One research group has published a functional assay measuring homology-directed repair activity and determined that that variant protein had reduced activity, with a prediction of it being deleterious (Guidugli 2013, Guidugli 2013). Two multifactorial-likelihood models and one protein-likelihood ratio model predict the variant to be likely deleterious (Guidugli 2013, Karchin 2008, Lindor 2012). In addition, an in silico study predicted that the variant would result in the loss of a potential exonic splicing enhancer (Pettigrew 2008). The p.Gly2609 residue is conserved across mammals and other organisms, and computational analyses (PolyPhen-2, SIFT, AlignGVGD, BLOSUM, MutationTaster) suggest that the variant may impact the protein; however, this information is not predictive enough to assume pathogenicity. The variant occurs outside of the splicing consensus sequence and 4 of 5 in silico or computational prediction software programs (SpliceSiteFinder, MaxEntScan, NNSPLICE, GeneSplicer, HumanSpliceFinder) predict a greater than 10% difference in splicing. However, this information is not predictive enough to assume pathogenicity. In summary, based on the above information the clinical significance of this variant cannot be determined with certainty at this time. This variant is classified as a variant of uncertain significance.

Literature cited by the submitters: PubMed 10923033 (cited by Labcorp Genetics (formerly Invitae), Labcorp); PubMed 21990134 (cited by Labcorp Genetics (formerly Invitae), Labcorp); PubMed 23108138 (cited by 3 submitters); PubMed 29394989 (cited by Labcorp Genetics (formerly Invitae), Labcorp and Ambry Genetics); PubMed 29884841 (cited by Labcorp Genetics (formerly Invitae), Labcorp and Ambry Genetics); PubMed 29988080 (cited by Labcorp Genetics (formerly Invitae), Labcorp and Ambry Genetics); PubMed 24323938 (cited by Ambry Genetics); PubMed 30696104 (cited by Ambry Genetics); PubMed 32444794 (cited by Ambry Genetics); PubMed 38417439 (cited by Ambry Genetics); PubMed 39779848 (cited by Ambry Genetics); PubMed 39779857 (cited by Ambry Genetics).

NM_000059.4(BRCA2):c.7826G>A (p.Gly2609Asp)

Gene: BRCA2 (BRCA2 DNA repair associated; plus strand). Cytogenetic location: 13q13.1.
Variant type: single nucleotide variant.
Coding change: c.7826G>A on transcript NM_000059.4 (MANE Select); coding-DNA position 7826, G replaced by A.
Protein change: p.Gly2609Asp; replaces glycine 2609 with aspartic acid.
Molecular consequence: missense variant.
Genome position (GRCh38, 1-based): chr13:32,362,543, G>A. VCF-style: chr13-32362543-G-A. GRCh37 (hg19) VCF-style: chr13-32936680-G-A.
Other names: short protein forms G2609D.
Identifiers: ClinVar variation 52423 (VCV000052423.49), dbSNP rs80359009, ClinGen allele CA025300.
Genomic context (GRCh38, chr13:32,362,543, plus strand): 5'-ATGTGGTTTTTATGATAATATTCTACTTTTATTTGTTCAGGGCTCTGTGTGACACTCCAG[G>A]TGTGGATCCAAAGCTTATTTCTAGAATTTGGGTTTATAATCACTATAGATGGATCATATG-3'
Protein context (NP_000050.3, residues 2599-2619): EFYRALCDTP[Gly2609Asp]VDPKLISRIW